The following is an entry in ClinVar:

ClinVar aggregate classification (germline): Conflicting classifications of pathogenicity. Review status: criteria provided, conflicting classifications (1 of 4 stars). 2 submissions from 2 submitters: Uncertain significance (1); Likely benign (1). Last evaluated 2025-11-08.

Conditions:
Inborn genetic diseases. Identifiers: MedGen C0950123, MeSH D030342.

gnomAD v4.1: 8 of 1,613,602 alleles (0.0005%); highest among the groups gnomAD compares: African/African-American, 0.011%; no homozygotes.

Submissions (2):

Labcorp Genetics (formerly Invitae), Labcorp
Classification: Uncertain significance. Last evaluated: 2025-11-08. Review status: criteria provided, single submitter. Criteria: Invitae Variant Classification Sherloc (09022015). Collection method: clinical testing. Allele origin: germline.
Comment: This sequence change replaces alanine, which is neutral and non-polar, with valine, which is neutral and non-polar, at codon 143 of the GANAB protein (p.Ala143Val). The frequency data for this variant in the population databases is considered unreliable, as metrics indicate poor data quality at this position in the gnomAD database. This variant has not been reported in the literature in individuals affected with GANAB-related conditions. Invitae Evidence Modeling of protein sequence and biophysical properties (such as structural, functional, and spatial information, amino acid conservation, physicochemical variation, residue mobility, and thermodynamic stability) indicates that this missense variant is not expected to disrupt GANAB protein function with a negative predictive value of 80%. In summary, the available evidence is currently insufficient to determine the role of this variant in disease. Therefore, it has been classified as a Variant of Uncertain Significance.

Ambry Genetics
Classification: Likely benign for Inborn genetic diseases. Last evaluated: 2025-11-03. Review status: criteria provided, single submitter. Criteria: Ambry Variant Classification Scheme 2023. Collection method: clinical testing. Allele origin: germline.

NM_198334.3(GANAB):c.428C>T (p.Ala143Val)

Gene: GANAB (glucosidase II alpha subunit; minus strand). Cytogenetic location: 11q12.3.
Variant type: single nucleotide variant.
Coding change: c.428C>T on transcript NM_198334.3 (MANE Select); coding-DNA position 428, C replaced by T.
Protein change: p.Ala143Val; replaces alanine 143 with valine.
Molecular consequence: missense variant. On other transcripts: 5 prime UTR variant (2).
Genome position (GRCh38, 1-based): chr11:62,634,953, G>A on the plus strand (C>T on the coding strand, the complement: GANAB is on the minus strand). VCF-style: chr11-62634953-G-A. GRCh37 (hg19) VCF-style: chr11-62402425-G-A.
Other names: c.86C>T, p.Ala29Val (NM_001278192.2, NM_001278193.2); c.137C>T, p.Ala46Val (NM_001278194.2, NM_001329222.2, NM_001329223.2); c.-349C>T (NM_001329224.2, NM_001329225.2); c.428C>T, p.Ala143Val (NM_198335.4); short protein forms A29V, A143V, A46V.
Identifiers: ClinVar variation 4620604 (VCV004620604.2).